The following is an entry in ClinVar:

NM_004304.5(ALK):c.3181C>A (p.Arg1061=)

Gene: ALK (ALK receptor tyrosine kinase; minus strand). Cytogenetic location: 2p23.2.
Variant type: single nucleotide variant.
Coding change: c.3181C>A on transcript NM_004304.5 (MANE Select); coding-DNA position 3181, C replaced by A.
Protein change: p.Arg1061=; no amino-acid change (arginine 1061 retained).
Molecular consequence: synonymous variant. On other transcripts: 5 prime UTR variant (1).
Genome position (GRCh38, 1-based): chr2:29,223,520, G>T on the plus strand (C>A on the coding strand, the complement: ALK is on the minus strand). VCF-style: chr2-29223520-G-T. GRCh37 (hg19) VCF-style: chr2-29446386-G-T.
Other names: c.-24C>A (NM_001353765.2).
Identifiers: ClinVar variation 937715 (VCV000937715.10), dbSNP rs371521416, ClinGen allele CA425435229.

ClinVar aggregate classification (germline): Uncertain significance. Review status: criteria provided, multiple submitters, no conflicts (2 of 4 stars). 2 submissions from 2 submitters: Uncertain significance (2). Last evaluated 2025-07-08.

Conditions:
Hereditary cancer-predisposing syndrome. Also called: Tumor predisposition; Hereditary neoplastic syndrome; Neoplastic Syndromes, Hereditary; Hereditary Cancer Syndrome. Identifiers: Orphanet 140162, MedGen C0027672, MeSH D009386, MONDO:0015356.
Neuroblastoma, susceptibility to, 3. Also called: ALK-Related Neuroblastic Tumor Susceptibility. Identifiers: Orphanet 635, MedGen C2751681, MONDO:0013083, OMIM 613014.

Submissions (2):

Ambry Genetics
Classification: Uncertain significance for Hereditary cancer-predisposing syndrome. Last evaluated: 2025-07-08. Review status: criteria provided, single submitter. Criteria: Ambry Variant Classification Scheme 2023. Collection method: clinical testing. Allele origin: germline.
Comment: The c.3181C>A variant (also known as p.R1061R), located in coding exon 20 of the ALK gene, results from a C to A substitution at nucleotide position 3181. This nucleotide substitution does not change the amino acid at codon 1061. This nucleotide position is well conserved in available vertebrate species. In silico splice site analysis predicts that this alteration will result in the creation or strengthening of a novel splice acceptor site. Based on the available evidence, the clinical significance of this variant remains unclear.

Labcorp Genetics (formerly Invitae), Labcorp
Classification: Uncertain significance for Neuroblastoma, susceptibility to, 3. Last evaluated: 2023-11-01. Review status: criteria provided, single submitter. Criteria: Invitae Variant Classification Sherloc (09022015). Collection method: clinical testing. Allele origin: germline.
Comment: This sequence change affects codon 1061 of the ALK mRNA. It is a 'silent' change, meaning that it does not change the encoded amino acid sequence of the ALK protein. This variant is not present in population databases (gnomAD no frequency). This variant has not been reported in the literature in individuals affected with ALK-related conditions. ClinVar contains an entry for this variant (Variation ID: 937715). Algorithms developed to predict the effect of sequence changes on RNA splicing suggest that this variant may create or strengthen a splice site. In summary, the available evidence is currently insufficient to determine the role of this variant in disease. Therefore, it has been classified as a Variant of Uncertain Significance.